The following is an entry in ClinVar:

NM_006218.4(PIK3CA):c.1970C>T (p.Ala657Val)

Gene: PIK3CA (phosphatidylinositol-4,5-bisphosphate 3-kinase catalytic subunit alpha; plus strand). Cytogenetic location: 3q26.32.
Variant type: single nucleotide variant.
Coding change: c.1970C>T on transcript NM_006218.4 (MANE Select); coding-DNA position 1970, C replaced by T.
Protein change: p.Ala657Val; replaces alanine 657 with valine.
Molecular consequence: missense variant.
Genome position (GRCh38, 1-based): chr3:179,220,007, C>T. VCF-style: chr3-179220007-C-T. GRCh37 (hg19) VCF-style: chr3-178937795-C-T.
Other names: short protein forms A657V.
Identifiers: ClinVar variation 1783616 (VCV001783616.2), dbSNP rs2108412018, ClinGen allele CA355267292.

ClinVar aggregate classification (germline): Uncertain significance (1 of 4 stars; one submission).

Conditions:
Inborn genetic diseases. Identifiers: MedGen C0950123, MeSH D030342.

Submission:

Ambry Genetics
Classification: Uncertain significance for Inborn genetic diseases. Last evaluated: 2022-08-09. Review status: criteria provided, single submitter. Criteria: Ambry Variant Classification Scheme 2023. Collection method: clinical testing. Allele origin: germline.
Comment: The p.A657V variant (also known as c.1970C>T), located in coding exon 12 of the PIK3CA gene, results from a C to T substitution at nucleotide position 1970. The alanine at codon 657 is replaced by valine, an amino acid with similar properties. This amino acid position is conserved. In addition, this alteration is predicted to be deleterious by in silico analysis. Since supporting evidence is limited at this time, the clinical significance of this alteration remains unclear.